The following is an entry in ClinVar:

NM_014714.4(IFT140):c.36G>A (p.Pro12=)

Genes: IFT140 (intraflagellar transport 140; minus strand), LOC105371046 (uncharacterized LOC105371046; plus strand). Cytogenetic location: 16p13.3.
Variant type: single nucleotide variant.
Coding change: c.36G>A on transcript NM_014714.4 (MANE Select); coding-DNA position 36, G replaced by A.
Protein change: p.Pro12=; no amino-acid change (proline 12 retained).
Molecular consequence: synonymous variant.
Genome position (GRCh38, 1-based): chr16:1,607,231, C>T on the plus strand (G>A on the coding strand, the complement: IFT140 is on the minus strand). VCF-style: chr16-1607231-C-T. GRCh37 (hg19) VCF-style: chr16-1657232-C-T.
Identifiers: ClinVar variation 318219 (VCV000318219.15), dbSNP rs574028286, ClinGen allele CA7814850.
Genomic context (GRCh38, chr16:1,607,231, plus strand): 5'-AACTGCCAAGAATGGATGGACAGGGTGCCAGCTGATAAATGAGGGTGACCCTGCTGCATC[C>T]GGGGCTTCTATCTGGTGGTCATAATAGAGGGCCATGACGGAACTCAGGCCTCCTCAGCGC-3'
Protein context (NP_055529.2, residues 2-22): ALYYDHQIEA[Pro12=]DAAGSPSFIS

ClinVar aggregate classification (germline): Conflicting classifications of pathogenicity. Review status: criteria provided, conflicting classifications (1 of 4 stars). 3 submissions from 3 submitters: Uncertain significance (1); Likely benign (2). Last evaluated 2025-12-28.

Conditions:
Saldino-Mainzer syndrome (SRTD9). Also called: short-rib thoracic dysplasia 9 with or without polydactyly; SHORT-RIB THORACIC DYSPLASIA 9 WITHOUT POLYDACTYLY; Renal dysplasia, retinal pigmentary dystrophy, cerebellar ataxia and skeletal dysplasia; CONORENAL SYNDROME. Identifiers: Orphanet 140969, MedGen C1849437, MONDO:0009964, OMIM 266920.
IFT140-related disorder. Also called: IFT140-related condition.

Allele frequency attached by ClinVar (database versions not stated): gnomAD 0.00001; TOPMed 0.00002; ExAC 0.00003; gnomAD exomes 0.00003; 1000 Genomes Project 0.00020; 1000 Genomes Project 30x 0.00031.
gnomAD v4.1: 41 of 1,614,074 alleles (0.0025%); highest among the groups gnomAD compares: Admixed American, 0.01%; no homozygotes.

Submissions (3):

Labcorp Genetics (formerly Invitae), Labcorp
Classification: Likely benign for Saldino-Mainzer syndrome. Last evaluated: 2025-12-28. Review status: criteria provided, single submitter. Criteria: Invitae Variant Classification Sherloc (09022015). Collection method: clinical testing. Allele origin: germline.

PreventionGenetics, part of Exact Sciences
Classification: Likely benign for IFT140-related condition. Last evaluated: 2025-09-02. Review status: criteria provided, single submitter. Criteria: ACMG Guidelines, 2015. Collection method: clinical testing. Allele origin: germline.
Comment: This variant is classified as likely benign based on ACMG/AMP sequence variant interpretation guidelines (Richards et al. 2015 PMID: 25741868, with internal and published modifications).

Illumina Laboratory Services, Illumina
Classification: Uncertain significance for Saldino-Mainzer syndrome. Last evaluated: 2018-01-12. Review status: criteria provided, single submitter. Criteria: ICSL Variant Classification Criteria 13 December 2019. Collection method: clinical testing. Allele origin: germline.